The following is an entry in ClinVar:

ClinVar aggregate classification (germline): Likely benign (1 of 4 stars; one submission).

Submission:

CeGaT Center for Human Genetics Tuebingen
Classification: Likely benign. Last evaluated: 2026-06-01. Review status: criteria provided, single submitter. Criteria: CeGaT Center For Human Genetics Tuebingen Variant Classification Criteria Version 2. Collection method: clinical testing. Allele origin: germline. Affected: yes. Observed: 1 variant allele.
Comment: AHNAK2: BP4, BP7

NM_138420.4(AHNAK2):c.6621C>T (p.Ser2207=)

Gene: AHNAK2 (AHNAK nucleoprotein 2; minus strand). Cytogenetic location: 14q32.33.
Variant type: single nucleotide variant.
Coding change: c.6621C>T on transcript NM_138420.4 (MANE Select); coding-DNA position 6621, C replaced by T.
Protein change: p.Ser2207=; no amino-acid change (serine 2207 retained).
Molecular consequence: synonymous variant.
Genome position (GRCh38, 1-based): chr14:104,948,830, G>A on the plus strand (C>T on the coding strand, the complement: AHNAK2 is on the minus strand). VCF-style: chr14-104948830-G-A. GRCh37 (hg19) VCF-style: chr14-105415167-G-A.
Other names: c.6321C>T, p.Ser2107= (NM_001350929.2).
Identifiers: ClinVar variation 4872568 (VCV004872568.2).
Genomic context (GRCh38, chr14:104,948,830, plus strand): 5'-GGGCACAGGGCCCTCCAGGAGTTTCACGTCCACCTGGCCAGCCTGGACCTTCACGTCGGC[G>A]GAAAGGGGCTGAATGCTGAGGTCAGTGGTCTTGAGGTCCCCCTGCATGGAGGGGAGACTC-3'
Protein context (NP_612429.2, residues 2197-2217): KTTDLSIQPL[Ser2207=]ADVKVQAGQV